The following is an entry in ClinVar:

NM_001447.3(FAT2):c.4390G>T (p.Gly1464Trp)

Genes: SLC36A1 (solute carrier family 36 member 1; plus strand), FAT2 (FAT atypical cadherin 2; minus strand). Cytogenetic location: 5q33.1.
Variant type: single nucleotide variant.
Coding change: c.4390G>T on transcript NM_001447.3 (MANE Select); coding-DNA position 4390, G replaced by T.
Protein change: p.Gly1464Trp; replaces glycine 1464 with tryptophan.
Molecular consequence: missense variant.
Genome position (GRCh38, 1-based): chr5:151,550,778, C>A on the plus strand (G>T on the coding strand, the complement: FAT2 is on the minus strand). VCF-style: chr5-151550778-C-A. GRCh37 (hg19) VCF-style: chr5-150930339-C-A.
Other names: short protein forms G1464W.
Identifiers: ClinVar variation 1960939 (VCV001960939.5), dbSNP rs1395830646, ClinGen allele CA361846261.

ClinVar aggregate classification (germline): Uncertain significance (1 of 4 stars; one submission).

Allele frequency attached by ClinVar (database versions not stated): gnomAD exomes below 0.00001.
gnomAD v4.1: 1 of 1,614,100 alleles (0.000062%); highest among the groups gnomAD compares: Admixed American, 0.0017%; no homozygotes.

Submission:

Labcorp Genetics (formerly Invitae), Labcorp
Classification: Uncertain significance. Last evaluated: 2022-10-20. Review status: criteria provided, single submitter. Criteria: Invitae Variant Classification Sherloc (09022015). Collection method: clinical testing. Allele origin: germline.
Comment: Advanced modeling of protein sequence and biophysical properties (such as structural, functional, and spatial information, amino acid conservation, physicochemical variation, residue mobility, and thermodynamic stability) performed at Invitae indicates that this missense variant is not expected to disrupt FAT2 protein function. This sequence change replaces glycine, which is neutral and non-polar, with tryptophan, which is neutral and slightly polar, at codon 1464 of the FAT2 protein (p.Gly1464Trp). This variant is present in population databases (no rsID available, gnomAD 0.003%). This variant has not been reported in the literature in individuals affected with FAT2-related conditions. In summary, the available evidence is currently insufficient to determine the role of this variant in disease. Therefore, it has been classified as a Variant of Uncertain Significance.